The following is an entry in ClinVar:

NM_001558.4(IL10RA):c.-70C>T

Genes: IL10RA (interleukin 10 receptor subunit alpha; plus strand), LOC130006833 (ATAC-STARR-seq lymphoblastoid silent region 3941; plus strand). Cytogenetic location: 11q23.3.
Variant type: single nucleotide variant.
Coding change: c.-70C>T on transcript NM_001558.4 (MANE Select); 70 bases upstream of the start codon, C replaced by T.
Molecular consequence: 5 prime UTR variant. On other transcripts: non-coding transcript variant (1).
Genome position (GRCh38, 1-based): chr11:117,986,398, C>T. VCF-style: chr11-117986398-C-T. GRCh37 (hg19) VCF-style: chr11-117857113-C-T.
Identifiers: ClinVar variation 302528 (VCV000302528.6), dbSNP rs185159635, ClinGen allele CA6298778.

ClinVar aggregate classification (germline): Likely benign. Review status: criteria provided, multiple submitters, no conflicts (2 of 4 stars). 2 submissions from 2 submitters: Likely benign (2). Last evaluated 2018-01-13.

Conditions:
Inflammatory bowel disease 28. Also called: Inflammatory bowel disease 28, early onset, autosomal recessive. Identifiers: Orphanet 238569, MedGen C2751053, MONDO:0013153, OMIM 613148.

Allele frequency attached by ClinVar (database versions not stated): ExAC 0.00011; gnomAD exomes 0.00030 and 0.00156; gnomAD 0.00061 and 0.00076; TOPMed 0.00093; 1000 Genomes Project 0.00359; 1000 Genomes Project 30x 0.00390.
gnomAD v4.1: 550 of 1,460,996 alleles (0.038%); highest among the groups gnomAD compares: East Asian, 0.78%; 4 homozygotes.

Submissions (2):

Illumina Laboratory Services, Illumina
Classification: Likely benign for Inflammatory bowel disease 28. Last evaluated: 2018-01-13. Review status: criteria provided, single submitter. Criteria: ICSL Variant Classification Criteria 13 December 2019. Collection method: clinical testing. Allele origin: germline.
Comment: This variant was observed in the ICSL laboratory as part of a predisposition screen in an ostensibly healthy population. It had not been previously curated by ICSL or reported in the Human Gene Mutation Database (HGMD: prior to June 1st, 2018), and was therefore a candidate for classification through an automated scoring system. Utilizing variant allele frequency, disease prevalence and penetrance estimates, and inheritance mode, an automated score was calculated to assess if this variant is too frequent to cause the disease. Based on the score and internal cut-off values, a variant classified as likely benign is not then subjected to further curation. The score for this variant resulted in a classification of likely benign for this disease.

Breakthrough Genomics
Classification: Likely benign. Review status: criteria provided, single submitter. Criteria: ACMG Guidelines, 2015. Collection method: not provided. Allele origin: germline. Inheritance: Autosomal recessive inheritance. Affected: yes.